The following is an entry in ClinVar:

NM_019040.5(ELP4):c.1184G>A (p.Arg395His)

Gene: ELP4 (elongator acetyltransferase complex subunit 4; plus strand). Cytogenetic location: 11p13.
Variant type: single nucleotide variant.
Coding change: c.1184G>A on transcript NM_019040.5 (MANE Select); coding-DNA position 1184, G replaced by A.
Protein change: p.Arg395His; replaces arginine 395 with histidine.
Molecular consequence: missense variant. On other transcripts: synonymous variant (1), 3 prime UTR variant (1).
Genome position (GRCh38, 1-based): chr11:31,783,433, G>A. VCF-style: chr11-31783433-G-A. GRCh37 (hg19) VCF-style: chr11-31804981-G-A.
Other names: c.1326G>A, p.Pro442= (NM_001288725.2); c.*4G>A (NM_001288726.2); short protein forms R395H.
Identifiers: ClinVar variation 2042726 (VCV002042726.7), dbSNP rs200155061, ClinGen allele CA5933568.
Genomic context (GRCh38, chr11:31,783,433, plus strand): 5'-CCTGAAATCTTCTGCCATAGCGACTGCATTTGCCTCCAGACTTGTCAGACACAGTGAGCC[G>A]CTCAAGCAAAATGGATCTGGCAGAATCCGCCAAGCGGCTGGGCCCAGGCTGTGGCATGAT-3'
Protein context (NP_061913.3, residues 385-405): LPPDLSDTVS[Arg395His]SSKMDLAESA

ClinVar aggregate classification (germline): Uncertain significance. Review status: criteria provided, multiple submitters, no conflicts (2 of 4 stars). 2 submissions from 2 submitters: Uncertain significance (2). Last evaluated 2025-11-25.

Allele frequency attached by ClinVar (database versions not stated): ESP Exome Variant Server 0.00025; ExAC 0.00007.
gnomAD v4.1: 399 of 1,613,878 alleles (0.025%); highest among the groups gnomAD compares: East Asian, 0.036%; no homozygotes.

Submissions (2):

Ambry Genetics
Classification: Uncertain significance. Last evaluated: 2025-11-25. Review status: criteria provided, single submitter. Criteria: Ambry Variant Classification Scheme 2023. Collection method: clinical testing. Allele origin: germline.

Labcorp Genetics (formerly Invitae), Labcorp
Classification: Uncertain significance. Last evaluated: 2022-04-11. Review status: criteria provided, single submitter. Criteria: Invitae Variant Classification Sherloc (09022015). Collection method: clinical testing. Allele origin: germline.
Comment: This sequence change replaces arginine, which is basic and polar, with histidine, which is basic and polar, at codon 395 of the ELP4 protein (p.Arg395His). This variant is present in population databases (rs200155061, gnomAD 0.02%). This variant has not been reported in the literature in individuals affected with ELP4-related conditions. Algorithms developed to predict the effect of missense changes on protein structure and function are either unavailable or do not agree on the potential impact of this missense change (SIFT: "Tolerated"; PolyPhen-2: "Probably Damaging"; Align-GVGD: "Class C0"). In summary, the available evidence is currently insufficient to determine the role of this variant in disease. Therefore, it has been classified as a Variant of Uncertain Significance.